The following is an entry in ClinVar:

NM_004655.4(AXIN2):c.1594G>T (p.Glu532Ter)

Gene: AXIN2 (axin 2; minus strand). Cytogenetic location: 17q24.1.
Variant type: single nucleotide variant.
Coding change: c.1594G>T on transcript NM_004655.4 (MANE Select); coding-DNA position 1594, G replaced by T.
Protein change: p.Glu532Ter; replaces glutamic acid 532 with a stop codon.
Molecular consequence: nonsense.
Genome position (GRCh38, 1-based): chr17:65,537,442, C>A on the plus strand (G>T on the coding strand, the complement: AXIN2 is on the minus strand). VCF-style: chr17-65537442-C-A. GRCh37 (hg19) VCF-style: chr17-63533560-C-A.
Other names: c.1594G>T (LRG_296t1); c.1594G>T, p.Glu532Ter (NM_001363813.1); short protein forms E532*.
Identifiers: ClinVar variation 546009 (VCV000546009.9), dbSNP rs755551294, ClinGen allele CA400677190.

ClinVar aggregate classification (germline): Conflicting classifications of pathogenicity. Review status: criteria provided, conflicting classifications (1 of 4 stars). 2 submissions from 2 submitters: Pathogenic (1); Uncertain significance (1). Last evaluated 2019-10-10.

Conditions:
Oligodontia-cancer predisposition syndrome. Also called: TOOTH AGENESIS-COLORECTAL CANCER SYNDROME. Identifiers: Orphanet 300576, MedGen C1837750, MONDO:0012075, OMIM 608615. Disease mechanism: loss of function.

Submissions (2):

Labcorp Genetics (formerly Invitae), Labcorp
Classification: Pathogenic for Oligodontia-cancer predisposition syndrome. Last evaluated: 2019-10-10. Review status: criteria provided, single submitter. Criteria: Invitae Variant Classification Sherloc (09022015). Collection method: clinical testing. Allele origin: germline.
Comment: This sequence change creates a premature translational stop signal (p.Glu532*) in the AXIN2 gene. It is expected to result in an absent or disrupted protein product. This variant is not present in population databases (ExAC no frequency). This variant has not been reported in the literature in individuals with AXIN2-related conditions. ClinVar contains an entry for this variant (Variation ID: 546009). Loss-of-function variants in AXIN2 are known to be pathogenic (PMID: 15042511, 21416598). For these reasons, this variant has been classified as Pathogenic.

GeneDx
Classification: Uncertain significance. Last evaluated: 2018-03-12. Review status: criteria provided, single submitter. Criteria: GeneDx Variant Classification (06012015). Collection method: clinical testing. Allele origin: germline. Affected: yes.
Comment: This variant is denoted AXIN2 c.1594G>T at the cDNA level and p.Glu532Ter (E532X) at the protein level. The substitution creates a nonsense variant, which changes a Glutamic Acid to a premature stop codon (GAG>TAG), and is predicted to cause loss of normal protein function through either protein truncation or nonsense-mediated mRNA decay. However, conflicting evidence is present regarding the loss-of-function disease mechanism in AXIN2; particularly, it may depend on tumor characteristics (if applicable), genetic profile, and other factors (Yochum 2012, Mazzoni 2015). This variant has not, to our knowledge, been reported in the literature. Based on current information, it is unclear whether AXIN2 Glu532Ter is a pathogenic or benign variant. We consider it to be a variant of uncertain significance.

Literature cited by the submitters: PubMed 15042511 (cited by Labcorp Genetics (formerly Invitae), Labcorp); PubMed 21416598 (cited by Labcorp Genetics (formerly Invitae), Labcorp).